The following is an entry in ClinVar:

ClinVar aggregate classification (germline): Likely benign (1 of 4 stars; one submission).

Conditions:
Hereditary breast ovarian cancer syndrome. Also called: Hereditary breast and/or ovarian cancer syndrome; BRCA1- and BRCA2-Associated Hereditary Breast and Ovarian Cancer; Hereditary breast and ovarian cancer syndrome; Hereditary breast and ovarian cancer; Hereditary breast and ovarian cancer syndrome (HBOC); Breast and ovarian cancer. Identifiers: Orphanet 145, MedGen C0677776, MeSH D061325, MONDO:0003582. Disease mechanism: loss of function.

Submissions (2):

Labcorp Genetics (formerly Invitae), Labcorp
Classification: Likely benign for Hereditary breast ovarian cancer syndrome. Last evaluated: 2023-10-10. Review status: criteria provided, single submitter. Criteria: Invitae Variant Classification Sherloc (09022015). Collection method: clinical testing. Allele origin: germline.

Brotman Baty Institute, University of Washington
No classification provided (evidence only). Condition: Breast-ovarian cancer, familial 1. Review status: no classification provided. Collection method: in vitro. Allele origin: not applicable. Functional consequence: functionally_normal. Not counted in ClinVar's aggregate classification.
ClinVar note: "not provided" was previously submitted as the classification for the variant. However, the classification appeared to be based only on an observation of functional data so it was converted to no classification on 2025-07-30.

NM_007294.4(BRCA1):c.5193+8C>T

Gene: BRCA1 (BRCA1 DNA repair associated; minus strand). Cytogenetic location: 17q21.31.
Variant type: single nucleotide variant.
Coding change: c.5193+8C>T on transcript NM_007294.4 (MANE Select); 8 bases into the intron after coding-DNA position 5193, C replaced by T.
Molecular consequence: intron variant.
Genome position (GRCh38, 1-based): chr17:43,063,325, G>A on the plus strand (C>T on the coding strand, the complement: BRCA1 is on the minus strand). VCF-style: chr17-43063325-G-A. GRCh37 (hg19) VCF-style: chr17-41215342-G-A.
Other names: c.5046+8C>T (NM_001407850.1, NM_001407844.1, NM_001407851.1 and 12 more transcripts); c.5049+8C>T (NM_001407752.1, NM_001407944.1, NM_001407734.1 and 21 more transcripts); c.5052+8C>T (NM_001407730.1, NM_001407692.1, NM_001407729.1 and 13 more transcripts); c.4923+8C>T (NM_001407934.1, NM_001407935.1, NM_001407936.1); c.1620+8C>T (NM_001408497.1, NM_001408496.1, NM_001408499.1 and 3 more transcripts); c.1884+8C>T (NM_001407973.1, NM_001407975.1, NM_001407978.1 and 3 more transcripts); c.5193+8C>T (NM_001407596.1, NM_001407602.1, NM_001407597.1 and 7 more transcripts); c.4305+8C>T (NM_001407966.1); and 72 more.
Identifiers: ClinVar variation 867468 (VCV000867468.6), dbSNP rs1597818731, ClinGen allele CA916080028.